The following is an entry in ClinVar:

NM_001174150.2(ARL13B):c.190_192del (p.Lys64del)

Gene: ARL13B (ARF like GTPase 13B; plus strand). Cytogenetic location: 3q11.2.
Variant type: Deletion.
Coding change: c.190_192del on transcript NM_001174150.2 (MANE Select); coding-DNA positions 190 to 192, 3 bases deleted (AAG; older notation c.190_192delAAG).
Protein change: p.Lys64del; deletes lysine 64.
Molecular consequence: inframe deletion. On other transcripts: 5 prime UTR variant (1), intron variant (1).
Genome position (GRCh38, 1-based): chr3:94,003,718-94,003,720, AAG deleted. VCF-style (leftmost placement, unchanged base first): chr3-94003717-AAAG-A. GRCh37 (hg19) VCF-style: chr3-93722561-AAAG-A.
Other names: c.-120_-118del (NM_001174151.2); c.145_147del, p.Lys49del (NM_001321328.2); c.190_192del, p.Lys64del (NM_182896.3); c.59+23236_59+23238del (NM_144996.4); short protein forms K49del, K64del.
Identifiers: ClinVar variation 1497108 (VCV001497108.8), dbSNP rs2107435357, ClinGen allele CA2573137523.

ClinVar aggregate classification (germline): Uncertain significance (1 of 4 stars; one submission).

Conditions:
Joubert syndrome 8 (JBTS8). Identifiers: Orphanet 475, MedGen C2676771, MONDO:0012855, OMIM 612291.

Submission:

Labcorp Genetics (formerly Invitae), Labcorp
Classification: Uncertain significance for Joubert syndrome 8. Last evaluated: 2022-07-19. Review status: criteria provided, single submitter. Criteria: Invitae Variant Classification Sherloc (09022015). Collection method: clinical testing. Allele origin: germline.
Comment: In summary, the available evidence is currently insufficient to determine the role of this variant in disease. Therefore, it has been classified as a Variant of Uncertain Significance. Experimental studies and prediction algorithms are not available or were not evaluated, and the functional significance of this variant is currently unknown. ClinVar contains an entry for this variant (Variation ID: 1497108). This variant has not been reported in the literature in individuals affected with ARL13B-related conditions. This variant is not present in population databases (gnomAD no frequency). This variant, c.190_192del, results in the deletion of 1 amino acid(s) of the ARL13B protein (p.Lys64del), but otherwise preserves the integrity of the reading frame.